The following is an entry in ClinVar:

ClinVar aggregate classification (germline): Uncertain significance (1 of 4 stars; one submission).

Conditions:
Emery-Dreifuss muscular dystrophy 5, autosomal dominant (EDMD5). Also called: EMERY-DREIFUSS MUSCULAR DYSTROPHY 5. Identifiers: Orphanet 261, MedGen C2751805, MONDO:0013072, OMIM 612999.

Allele frequency attached by ClinVar (database versions not stated): ExAC 0.00001; gnomAD 0.00001; gnomAD exomes 0.00001; TOPMed 0.00001.
gnomAD v4.1: 8 of 1,614,050 alleles (0.0005%); highest among the groups gnomAD compares: Admixed American, 0.0083%; no homozygotes.

Submission:

Labcorp Genetics (formerly Invitae), Labcorp
Classification: Uncertain significance for Emery-Dreifuss muscular dystrophy 5, autosomal dominant. Last evaluated: 2022-03-28. Review status: criteria provided, single submitter. Criteria: Invitae Variant Classification Sherloc (09022015). Collection method: clinical testing. Allele origin: germline.
Comment: This sequence change replaces arginine, which is basic and polar, with glycine, which is neutral and non-polar, at codon 184 of the SYNE2 protein (p.Arg184Gly). This variant is present in population databases (rs767175888, gnomAD 0.009%). This variant has not been reported in the literature in individuals affected with SYNE2-related conditions. Algorithms developed to predict the effect of missense changes on protein structure and function (SIFT, PolyPhen-2, Align-GVGD) all suggest that this variant is likely to be tolerated. In summary, the available evidence is currently insufficient to determine the role of this variant in disease. Therefore, it has been classified as a Variant of Uncertain Significance.

NM_182914.3(SYNE2):c.550A>G (p.Arg184Gly)

Gene: SYNE2 (spectrin repeat containing nuclear envelope protein 2; plus strand). Cytogenetic location: 14q23.2.
Variant type: single nucleotide variant.
Coding change: c.550A>G on transcript NM_182914.3 (MANE Select); coding-DNA position 550, A replaced by G.
Protein change: p.Arg184Gly; replaces arginine 184 with glycine.
Molecular consequence: missense variant.
Genome position (GRCh38, 1-based): chr14:63,949,966, A>G. VCF-style: chr14-63949966-A-G. GRCh37 (hg19) VCF-style: chr14-64416684-A-G.
Other names: c.550A>G, p.Arg184Gly (NM_015180.6); short protein forms R184G.
Identifiers: ClinVar variation 2147917 (VCV002147917.4), dbSNP rs767175888, ClinGen allele CA7219133.